The following is an entry in ClinVar:

ClinVar aggregate classification (germline): Uncertain significance (1 of 4 stars; one submission).

gnomAD v4.1: 2 of 1,569,768 alleles (0.00013%); highest among the groups gnomAD compares: Non-Finnish European, 0.00017%; no homozygotes.

Submission:

GeneDx
Classification: Uncertain significance. Last evaluated: 2024-05-24. Review status: criteria provided, single submitter. Criteria: GeneDx Variant Classification Process June 2021. Collection method: clinical testing. Allele origin: germline. Affected: yes.
Comment: Not observed at significant frequency in large population cohorts (gnomAD); In silico analysis supports that this missense variant does not alter protein structure/function; Has not been previously published as pathogenic or benign to our knowledge

NM_020795.4(NLGN2):c.171G>C (p.Glu57Asp)

Gene: NLGN2 (neuroligin 2; plus strand). Cytogenetic location: 17p13.1.
Variant type: single nucleotide variant.
Coding change: c.171G>C on transcript NM_020795.4 (MANE Select); coding-DNA position 171, G replaced by C.
Protein change: p.Glu57Asp; replaces glutamic acid 57 with aspartic acid.
Molecular consequence: missense variant.
Genome position (GRCh38, 1-based): chr17:7,408,426, G>C. VCF-style: chr17-7408426-G-C. GRCh37 (hg19) VCF-style: chr17-7311745-G-C.
Other names: short protein forms E57D.
Identifiers: ClinVar variation 3381414 (VCV003381414.1).